The following is an entry in ClinVar:

ClinVar aggregate classification (germline): Benign/Likely benign. Review status: criteria provided, multiple submitters, no conflicts (2 of 4 stars). 3 submissions from 3 submitters: Benign (2); Likely benign (1). Last evaluated 2025-12-30.

Conditions:
DDX3X-related disorder. Also called: DDX3X-related condition.

Submissions (4):

Labcorp Genetics (formerly Invitae), Labcorp
Classification: Benign. Last evaluated: 2025-12-30. Review status: criteria provided, single submitter. Criteria: Invitae Variant Classification Sherloc (09022015). Collection method: clinical testing. Allele origin: germline.

PreventionGenetics, part of Exact Sciences
Classification: Likely benign for DDX3X-related condition. Last evaluated: 2025-11-25. Review status: criteria provided, single submitter. Criteria: ACMG Guidelines, 2015. Collection method: clinical testing. Allele origin: germline.
Comment: This variant is classified as likely benign based on ACMG/AMP sequence variant interpretation guidelines (Richards et al. 2015 PMID: 25741868, with internal and published modifications).

GeneDx
Classification: Benign. Last evaluated: 2020-11-02. Review status: criteria provided, single submitter. Criteria: GeneDx Variant Classification Process June 2021. Collection method: clinical testing. Allele origin: germline. Affected: yes.

Dr. Peter K. Rogan Lab, Western University
No classification provided (evidence only). Condition: Gastric cancer. Review status: no classification provided. Collection method: in vitro. Allele origin: not applicable. Functional consequence: skipped exon, retained intron. Not counted in ClinVar's aggregate classification.

NM_001356.5(DDX3X):c.680-23TTTG[2]

Gene: DDX3X (DEAD-box helicase 3 X-linked; plus strand). Cytogenetic location: Xp11.4.
Variant type: Microsatellite.
Coding change: c.680-23TTTG[2] on transcript NM_001356.5 (MANE Select); two copies in a row of the 4-base unit TTTG starting at c.680-23.
Molecular consequence: intron variant.
Genome position: GRCh38 VCF-style: chrX-41343713-ATTTG-A. GRCh37 (hg19) VCF-style: chrX-41202966-ATTTG-A.
Other names: NC_000023.10:g.41202978_41202981del; c.680-12_680-9del (NM_001356.5); c.680-23TTTG[2] (NM_001193416.3); c.632-23TTTG[2] (NM_001193417.3); c.122-23TTTG[2] (NM_001363819.1); c.680-12_680-9delGTTT (NM_001193416.2).
Identifiers: ClinVar variation 1282876 (VCV001282876.11), dbSNP rs761917486, ClinGen allele CA10389459.
Genomic context (GRCh38, chrX:41,343,713, plus strand): 5'-TAATAGGGTAGTTAAAAAACACTGTCATCTACCAATGTCTGTTTAAAAGTAATGAGCAGG[ATTTG>A]TTTGTTTGTTTTTGAACAGGGTCTGGAAAAACTGCAGCATTTCTGTTGCCCATCTTGAGT-3'